The following is an entry in ClinVar:

ClinVar aggregate classification (germline): Pathogenic (1 of 4 stars; one submission).

Conditions:
Asphyxiating thoracic dystrophy 3. Also called: SHORT-RIB THORACIC DYSPLASIA 3 WITH OR WITHOUT POLYDACTYLY; POLYDACTYLY WITH NEONATAL CHONDRODYSTROPHY, TYPE I; SHORT-RIB THORACIC DYSPLASIA 3/6 WITH POLYDACTYLY, DIGENIC; Short rib polydactyly syndrome 2B; Saldino-Noonan Syndrome. Identifiers: Orphanet 474, Orphanet 93269, Orphanet 93270, Orphanet 93271, MedGen C0036069, MONDO:0013127, OMIM 613091.

Submission:

Myriad Genetics, Inc.
Classification: Pathogenic for Asphyxiating thoracic dystrophy 3. Last evaluated: 2025-11-27. Review status: criteria provided, single submitter. Criteria: Myriad Autosomal Dominant, Autosomal Recessive and X-Linked Classification Criteria (2023). Collection method: clinical testing. Allele origin: unknown.
Comment: NM_001377.2(DYNC2H1):c.7597delC(R2533Afs*20) is expected to be pathogenic in the context of DYNC2H1-related disorders. This variant is predicted to lead to an abnormal or absent protein product due to the creation of a premature termination codon in DYNC2H1, a gene where loss-of-function variants are known to be pathogenic. Please note: this variant was assessed in the context of healthy population screening.

NM_001377.3(DYNC2H1):c.7597del (p.Arg2533fs)

Gene: DYNC2H1 (dynein cytoplasmic 2 heavy chain 1; plus strand). Cytogenetic location: 11q22.3.
Variant type: Deletion.
Coding change: c.7597del on transcript NM_001377.3 (MANE Select); coding-DNA position 7597, one base deleted (C; older notation c.7597delC).
Protein change: p.Arg2533fs; shifts the reading frame from arginine 2533.
Molecular consequence: frameshift variant.
Genome position (GRCh38, 1-based): chr11:103,192,153, C deleted. VCF-style (leftmost placement, unchanged base first): chr11-103192152-GC-G. GRCh37 (hg19) VCF-style: chr11-103062881-GC-G.
Other names: c.7597del, p.Arg2533fs (NM_001080463.2); short protein forms R2533fs.
Identifiers: ClinVar variation 5015274 (VCV005015274.1).